The following is an entry in ClinVar:

ClinVar aggregate classification (germline): Uncertain significance (1 of 4 stars; one submission).

Conditions:
Pyridoxine-dependent epilepsy (EPEO4). Also called: PYRIDOXINE DEPENDENCY WITH SEIZURES; Pyridoxine-Dependent Seizures; Pyridoxine-Dependent Epilepsy - ALDH7A1; EPILEPSY, EARLY-ONSET, 4, VITAMIN B6-DEPENDENT. Identifiers: Orphanet 3006, MedGen C1849508, MONDO:0009945, OMIM 266100. Disease mechanism: loss of function.

Submission:

Labcorp Genetics (formerly Invitae), Labcorp
Classification: Uncertain significance for Pyridoxine-dependent epilepsy. Last evaluated: 2024-10-16. Review status: criteria provided, single submitter. Criteria: Invitae Variant Classification Sherloc (09022015). Collection method: clinical testing. Allele origin: germline.
Comment: This sequence change replaces isoleucine, which is neutral and non-polar, with methionine, which is neutral and non-polar, at codon 459 of the ALDH7A1 protein (p.Ile459Met). This variant is not present in population databases (gnomAD no frequency). This variant has not been reported in the literature in individuals affected with ALDH7A1-related conditions. ClinVar contains an entry for this variant (Variation ID: 2009539). Invitae Evidence Modeling of protein sequence and biophysical properties (such as structural, functional, and spatial information, amino acid conservation, physicochemical variation, residue mobility, and thermodynamic stability) has been performed for this missense variant. However, the output from this modeling did not meet the statistical confidence thresholds required to predict the impact of this variant on ALDH7A1 protein function. This variant disrupts the p.Ile459 amino acid residue in ALDH7A1. Other variant(s) that disrupt this residue have been determined to be pathogenic (PMID: 20814824, 30043187; internal data). This suggests that this residue is clinically significant, and that variants that disrupt this residue are likely to be disease-causing. In summary, the available evidence is currently insufficient to determine the role of this variant in disease. Therefore, it has been classified as a Variant of Uncertain Significance.

Literature cited by the submitters: PubMed 20814824; PubMed 30043187.

NM_001182.5(ALDH7A1):c.1377C>G (p.Ile459Met)

Gene: ALDH7A1 (aldehyde dehydrogenase 7 family member A1; minus strand). Cytogenetic location: 5q23.2.
Variant type: single nucleotide variant.
Coding change: c.1377C>G on transcript NM_001182.5 (MANE Select); coding-DNA position 1377, C replaced by G.
Protein change: p.Ile459Met; replaces isoleucine 459 with methionine.
Molecular consequence: missense variant.
Genome position (GRCh38, 1-based): chr5:126,550,234, G>C on the plus strand (C>G on the coding strand, the complement: ALDH7A1 is on the minus strand). VCF-style: chr5-126550234-G-C. GRCh37 (hg19) VCF-style: chr5-125885926-G-C.
Other names: c.1293C>G, p.Ile431Met (NM_001201377.2); c.1185C>G, p.Ile395Met (NM_001202404.2); short protein forms I395M, I431M, I459M.
Identifiers: ClinVar variation 2009539 (VCV002009539.4), dbSNP rs2480252669, ClinGen allele CA360721560.
Genomic context (GRCh38, chr5:126,550,234, plus strand): 5'-TTCAAAATAGACAAAGTTGTACCCAAGCCAGCGAAAGATTCTGCCCAGATCTTTGGTAAA[G>C]ATGCTACTTGAAAGTCCCTGTTTTACTTCATTATTCCATGCAAAGACCTCTTCTTCATTC-3'
Protein context (NP_001173.2, residues 449-469): NEVKQGLSSS[Ile459Met]FTKDLGRIFR